The following is an entry in ClinVar:

ClinVar aggregate classification (germline): Uncertain significance (1 of 4 stars; one submission).

Conditions:
Tuberous sclerosis 2 (TSC2). Identifiers: Orphanet 805, MedGen C1860707, MONDO:0013199, OMIM 613254.

Submission:

Labcorp Genetics (formerly Invitae), Labcorp
Classification: Uncertain significance for Tuberous sclerosis 2. Last evaluated: 2023-06-04. Review status: criteria provided, single submitter. Criteria: Invitae Variant Classification Sherloc (09022015). Collection method: clinical testing. Allele origin: germline.
Comment: In summary, the available evidence is currently insufficient to determine the role of this variant in disease. Therefore, it has been classified as a Variant of Uncertain Significance. This variant has not been reported in the literature in individuals affected with TSC2-related conditions. This variant is not present in population databases (gnomAD no frequency). This variant, c.2459_2461dup, results in the insertion of 1 amino acid(s) of the TSC2 protein (p.Ile820dup), but otherwise preserves the integrity of the reading frame.

NM_000548.5(TSC2):c.2453TCA[4] (p.Ile820_Lys821insIle)

Gene: TSC2 (TSC complex subunit 2; plus strand). Cytogenetic location: 16p13.3.
Variant type: Microsatellite.
Coding change: c.2453TCA[4] on transcript NM_000548.5 (MANE Select); four copies in a row of the 3-base unit TCA starting at c.2453; the reference has three copies in a row; one copy, 3 bases duplicated.
Protein change: p.Ile820_Lys821insIle.
Molecular consequence: inframe insertion. On other transcripts: non-coding transcript variant (5).
Genome position (GRCh38, 1-based): chr16:2,074,303-2,074,305, TCA duplicated; duplicating any 3 consecutive bases within chr16:2,074,295-2,074,305 gives the same sequence; the position shown is the placement nearest the transcript's 3' end. VCF-style (leftmost placement, unchanged base first): chr16-2074294-A-ACAT. GRCh37 (hg19) VCF-style: chr16-2124295-A-ACAT.
Other names: c.2453TCA[4], p.Ile820_Lys821insIle (NM_001114382.3, NM_001363528.2, NM_001370404.1 and 6 more transcripts); c.2342TCA[4], p.Ile783_Lys784insIle (NM_001318827.2, NM_001406670.1, NM_001406678.1); c.2306TCA[4], p.Ile771_Lys772insIle (NM_001318829.2, NM_001406675.1, NM_001406676.1 and 1 more transcripts); c.1853TCA[4], p.Ile620_Lys621insIle (NM_001318831.2, NM_001406680.1, NM_001406682.1 and 6 more transcripts); c.2486TCA[4], p.Ile831_Lys832insIle (NM_001318832.2); c.2543TCA[4], p.Ile850_Lys851insIle (NM_001406667.1, NM_001406668.1); c.2441TCA[4], p.Ile816_Lys817insIle (NM_001406671.1, NM_001406673.1); c.2396TCA[4], p.Ile801_Lys802insIle (NM_001406677.1); and 3 more.
Identifiers: ClinVar variation 2864926 (VCV002864926.3), dbSNP rs137854128, ClinGen allele CA2731568491.
Genomic context (GRCh38, chr16:2,074,294, plus strand): 5'-TCCACCGCTGTGCCAGCCAGTGCGTCGTGGCCTTGTCCATCTGCAGCGTGGAGATGCCTG[A>ACAT]CATCATCATCAAGGCGCTGCCTGTTCTGGTGGTGAAGCTCACGCACATCTCAGCCACAGC-3'